The following is an entry in ClinVar:

NM_144997.7(FLCN):c.1413C>G (p.Ser471Arg)

Gene: FLCN (folliculin; minus strand). Cytogenetic location: 17p11.2.
Variant type: single nucleotide variant.
Coding change: c.1413C>G on transcript NM_144997.7 (MANE Select); coding-DNA position 1413, C replaced by G.
Protein change: p.Ser471Arg; replaces serine 471 with arginine.
Molecular consequence: missense variant.
Genome position (GRCh38, 1-based): chr17:17,215,204, G>C on the plus strand (C>G on the coding strand, the complement: FLCN is on the minus strand). VCF-style: chr17-17215204-G-C. GRCh37 (hg19) VCF-style: chr17-17118518-G-C.
Other names: c.1467C>G, p.Ser489Arg (NM_001353229.2); c.1413C>G, p.Ser471Arg (NM_001353230.2, NM_001353231.2); short protein forms S471R, S489R.
Identifiers: ClinVar variation 1772079 (VCV001772079.4), dbSNP rs2144837194, ClinGen allele CA398531138.

ClinVar aggregate classification (germline): Uncertain significance. Review status: criteria provided, multiple submitters, no conflicts (2 of 4 stars). 2 submissions from 2 submitters: Uncertain significance (2). Last evaluated 2024-08-13.

Conditions:
Hereditary cancer-predisposing syndrome. Also called: Tumor predisposition; Neoplastic Syndromes, Hereditary; Hereditary Cancer Syndrome; Hereditary neoplastic syndrome. Identifiers: Orphanet 140162, MedGen C0027672, MeSH D009386, MONDO:0015356.
Birt-Hogg-Dube syndrome. Also called: Birt Hogg Dubé syndrome. Identifiers: Orphanet 122, MedGen C0346010, MONDO:0800444.

Submissions (2):

Labcorp Genetics (formerly Invitae), Labcorp
Classification: Uncertain significance for Birt-Hogg-Dube syndrome. Last evaluated: 2024-08-13. Review status: criteria provided, single submitter. Criteria: Invitae Variant Classification Sherloc (09022015). Collection method: clinical testing. Allele origin: germline.
Comment: This sequence change replaces serine, which is neutral and polar, with arginine, which is basic and polar, at codon 471 of the FLCN protein (p.Ser471Arg). This variant is not present in population databases (gnomAD no frequency). This variant has not been reported in the literature in individuals affected with FLCN-related conditions. ClinVar contains an entry for this variant (Variation ID: 1772079). Advanced modeling of protein sequence and biophysical properties (such as structural, functional, and spatial information, amino acid conservation, physicochemical variation, residue mobility, and thermodynamic stability) performed at Invitae indicates that this missense variant is not expected to disrupt FLCN protein function with a negative predictive value of 80%. In summary, the available evidence is currently insufficient to determine the role of this variant in disease. Therefore, it has been classified as a Variant of Uncertain Significance.

Ambry Genetics
Classification: Uncertain significance for Hereditary cancer-predisposing syndrome. Last evaluated: 2022-09-03. Review status: criteria provided, single submitter. Criteria: Ambry Variant Classification Scheme 2023. Collection method: clinical testing. Allele origin: germline.
Comment: The p.S471R variant (also known as c.1413C>G), located in coding exon 9 of the FLCN gene, results from a C to G substitution at nucleotide position 1413. The serine at codon 471 is replaced by arginine, an amino acid with dissimilar properties. This amino acid position is conserved. In addition, the in silico prediction for this alteration is inconclusive. Since supporting evidence is limited at this time, the clinical significance of this alteration remains unclear.